The following is an entry in ClinVar:

ClinVar aggregate classification (germline): Uncertain significance (1 of 4 stars; one submission).

Conditions:
X-linked agammaglobulinemia with growth hormone deficiency (IGHD3). Also called: AGAMMAGLOBULINEMIA AND ISOLATED GROWTH HORMONE DEFICIENCY, X-LINKED; FLEISHER SYNDROME; HYPOGAMMAGLOBULINEMIA AND ISOLATED GROWTH HORMONE DEFICIENCY, X-LINKED; IGHD III; Isolated growth hormone deficiency type 3; Growth hormone deficiency with hypogammaglobulinemia. Identifiers: Orphanet 231692, Orphanet 631, MedGen C0472813, MONDO:0010615, OMIM 307200.

Submission:

Labcorp Genetics (formerly Invitae), Labcorp
Classification: Uncertain significance for X-linked agammaglobulinemia with growth hormone deficiency. Last evaluated: 2025-04-01. Review status: criteria provided, single submitter. Criteria: Invitae Variant Classification Sherloc (09022015). Collection method: clinical testing. Allele origin: germline.
Comment: This sequence change replaces proline, which is neutral and non-polar, with leucine, which is neutral and non-polar, at codon 250 of the BTK protein (p.Pro250Leu). This variant is not present in population databases (gnomAD no frequency). This variant has not been reported in the literature in individuals affected with BTK-related conditions. Invitae Evidence Modeling of protein sequence and biophysical properties (such as structural, functional, and spatial information, amino acid conservation, physicochemical variation, residue mobility, and thermodynamic stability) indicates that this missense variant is not expected to disrupt BTK protein function with a negative predictive value of 95%. In summary, the available evidence is currently insufficient to determine the role of this variant in disease. Therefore, it has been classified as a Variant of Uncertain Significance.

NM_000061.3(BTK):c.749C>T (p.Pro250Leu)

Gene: BTK (Bruton tyrosine kinase; minus strand). Cytogenetic location: Xq22.1.
Variant type: single nucleotide variant.
Coding change: c.749C>T on transcript NM_000061.3 (MANE Select); coding-DNA position 749, C replaced by T.
Protein change: p.Pro250Leu; replaces proline 250 with leucine.
Molecular consequence: missense variant.
Genome position (GRCh38, 1-based): chrX:101,360,595, G>A on the plus strand (C>T on the coding strand, the complement: BTK is on the minus strand). VCF-style: chrX-101360595-G-A. GRCh37 (hg19) VCF-style: chrX-100615583-G-A.
Other names: c.851C>T, p.Pro284Leu (NM_001287344.2); c.749C>T, p.Pro250Leu (NM_001287345.2); short protein forms P250L, P284L.
Identifiers: ClinVar variation 4807509 (VCV004807509.1).